The following is an entry in ClinVar:

NM_004963.4(GUCY2C):c.173T>C (p.Val58Ala)

Genes: GUCY2C (guanylate cyclase 2C; minus strand), GUCY2C-AS1 (GUCY2C antisense RNA 1; plus strand). Cytogenetic location: 12p12.3.
Variant type: single nucleotide variant.
Coding change: c.173T>C on transcript NM_004963.4 (MANE Select); coding-DNA position 173, T replaced by C.
Protein change: p.Val58Ala; replaces valine 58 with alanine.
Molecular consequence: missense variant.
Genome position (GRCh38, 1-based): chr12:14,696,276, A>G on the plus strand (T>C on the coding strand, the complement: GUCY2C is on the minus strand). VCF-style: chr12-14696276-A-G. GRCh37 (hg19) VCF-style: chr12-14849210-A-G.
Other names: c.173T>C (NM_004963.3); short protein forms V58A.
Identifiers: ClinVar variation 1942871 (VCV001942871.6), dbSNP rs780283983, ClinGen allele CA6463831.

ClinVar aggregate classification (germline): Uncertain significance. Review status: criteria provided, multiple submitters, no conflicts (2 of 4 stars). 2 submissions from 2 submitters: Uncertain significance (2). Last evaluated 2025-11-26.

Conditions:
Inborn genetic diseases. Identifiers: MedGen C0950123, MeSH D030342.

Allele frequency attached by ClinVar (database versions not stated): ExAC 0.00001; gnomAD 0.00001; gnomAD exomes 0.00001; TOPMed 0.00001.

Submissions (2):

Ambry Genetics
Classification: Uncertain significance for Inborn genetic diseases. Last evaluated: 2025-11-26. Review status: criteria provided, single submitter. Criteria: Ambry Variant Classification Scheme 2023. Collection method: clinical testing. Allele origin: germline.

Labcorp Genetics (formerly Invitae), Labcorp
Classification: Uncertain significance. Last evaluated: 2022-07-09. Review status: criteria provided, single submitter. Criteria: Invitae Variant Classification Sherloc (09022015). Collection method: clinical testing. Allele origin: germline.
Comment: This sequence change replaces valine, which is neutral and non-polar, with alanine, which is neutral and non-polar, at codon 58 of the GUCY2C protein (p.Val58Ala). This variant is present in population databases (rs780283983, gnomAD 0.005%). This variant has not been reported in the literature in individuals affected with GUCY2C-related conditions. Algorithms developed to predict the effect of missense changes on protein structure and function are either unavailable or do not agree on the potential impact of this missense change (SIFT: "Deleterious"; PolyPhen-2: "Possibly Damaging"; Align-GVGD: "Class C0"). In summary, the available evidence is currently insufficient to determine the role of this variant in disease. Therefore, it has been classified as a Variant of Uncertain Significance.